The following is an entry in ClinVar:

NM_015001.3(SPEN):c.3166A>G (p.Arg1056Gly)

Gene: SPEN (spen family transcriptional repressor; plus strand). Cytogenetic location: 1p36.13.
Variant type: single nucleotide variant.
Coding change: c.3166A>G on transcript NM_015001.3 (MANE Select); coding-DNA position 3166, A replaced by G.
Protein change: p.Arg1056Gly; replaces arginine 1056 with glycine.
Molecular consequence: missense variant.
Genome position (GRCh38, 1-based): chr1:15,929,406, A>G. VCF-style: chr1-15929406-A-G. GRCh37 (hg19) VCF-style: chr1-16255901-A-G.
Other names: short protein forms R1056G.
Identifiers: ClinVar variation 2290290 (VCV002290290.26), dbSNP rs1487756177, ClinGen allele CA338607006.

ClinVar aggregate classification (germline): Uncertain significance. Review status: criteria provided, multiple submitters, no conflicts (2 of 4 stars). 2 submissions from 2 submitters: Uncertain significance (2). Last evaluated 2022-11-01.

Conditions:
Inborn genetic diseases. Identifiers: MedGen C0950123, MeSH D030342.

Allele frequency attached by ClinVar (database versions not stated): TOPMed 0.00002; gnomAD 0.00003.
gnomAD v4.1: 76 of 1,613,484 alleles (0.0047%); highest among the groups gnomAD compares: Non-Finnish European, 0.0063%; no homozygotes.

Submissions (2):

CeGaT Center for Human Genetics Tuebingen
Classification: Uncertain significance. Last evaluated: 2022-11-01. Review status: criteria provided, single submitter. Criteria: CeGaT Center For Human Genetics Tuebingen Variant Classification Criteria Version 2. Collection method: clinical testing. Allele origin: germline. Affected: yes. Observed: 1 variant allele.
Comment: SPEN: PM2, BP4

Ambry Genetics
Classification: Uncertain significance for Inborn genetic diseases. Last evaluated: 2022-05-18. Review status: criteria provided, single submitter. Criteria: Ambry Variant Classification Scheme 2023. Collection method: clinical testing. Allele origin: germline.